The following is an entry in ClinVar:

NM_000292.3(PHKA2):c.286-3C>T

Gene: PHKA2 (phosphorylase kinase regulatory subunit alpha 2; minus strand). Cytogenetic location: Xp22.13.
Variant type: single nucleotide variant.
Coding change: c.286-3C>T on transcript NM_000292.3 (MANE Select); 3 bases into the intron before coding-DNA position 286, C replaced by T.
Molecular consequence: intron variant.
Genome position (GRCh38, 1-based): chrX:18,951,275, G>A on the plus strand (C>T on the coding strand, the complement: PHKA2 is on the minus strand). VCF-style: chrX-18951275-G-A. GRCh37 (hg19) VCF-style: chrX-18969393-G-A.
Other names: c.286-3C>T (NM_001440804.1, NM_001440803.1, NM_001440802.1 and 3 more transcripts).
Identifiers: ClinVar variation 5041165 (VCV005041165.1).

ClinVar aggregate classification (germline): Likely benign (1 of 4 stars; one submission).

gnomAD v4.1: 3 of 1,208,780 alleles (0.00025%); highest among the groups gnomAD compares: African/African-American, 0.0017%; no homozygotes.

Submission:

CeGaT Center for Human Genetics Tuebingen
Classification: Likely benign. Last evaluated: 2026-09-01. Review status: criteria provided, single submitter. Criteria: CeGaT Center For Human Genetics Tuebingen Variant Classification Criteria Version 2. Collection method: clinical testing. Allele origin: germline. Affected: yes. Observed: 1 variant allele.
Comment: PHKA2: BP4, BS2